The following is an entry in ClinVar:

ClinVar aggregate classification (germline): Uncertain significance (1 of 4 stars; one submission).

Submission:

Labcorp Genetics (formerly Invitae), Labcorp
Classification: Uncertain significance. Last evaluated: 2024-02-23. Review status: criteria provided, single submitter. Criteria: Invitae Variant Classification Sherloc (09022015). Collection method: clinical testing. Allele origin: germline.
Comment: This sequence change replaces histidine with arginine at codon 486 of the KLHL9 protein (p.His486Arg). The histidine residue is highly conserved and there is a small physicochemical difference between histidine and arginine. This variant is not present in population databases (gnomAD no frequency). This variant has not been reported in the literature in individuals affected with KLHL9-related conditions. ClinVar contains an entry for this variant (Variation ID: 1438004). Advanced modeling of protein sequence and biophysical properties (such as structural, functional, and spatial information, amino acid conservation, physicochemical variation, residue mobility, and thermodynamic stability) performed at Invitae indicates that this missense variant is expected to disrupt KLHL9 protein function with a positive predictive value of 80%. In summary, the available evidence is currently insufficient to determine the role of this variant in disease. Therefore, it has been classified as a Variant of Uncertain Significance.

NM_018847.4(KLHL9):c.1457A>G (p.His486Arg)

Gene: KLHL9 (kelch like family member 9; minus strand). Cytogenetic location: 9p21.3.
Variant type: single nucleotide variant.
Coding change: c.1457A>G on transcript NM_018847.4 (MANE Select); coding-DNA position 1457, A replaced by G.
Protein change: p.His486Arg; replaces histidine 486 with arginine.
Molecular consequence: missense variant.
Genome position (GRCh38, 1-based): chr9:21,333,403, T>C on the plus strand (A>G on the coding strand, the complement: KLHL9 is on the minus strand). VCF-style: chr9-21333403-T-C. GRCh37 (hg19) VCF-style: chr9-21333402-T-C.
Other names: short protein forms H486R.
Identifiers: ClinVar variation 1438004 (VCV001438004.6), dbSNP rs2133030645, ClinGen allele CA373068532.